The following is an entry in ClinVar:

ClinVar aggregate classification (germline): Likely pathogenic (0 of 4 stars; one submission).

Conditions:
FOXC2-related disorder. Also called: FOXC2-related condition.

Submission:

PreventionGenetics, part of Exact Sciences
Classification: Likely pathogenic for FOXC2-related condition. Last evaluated: 2024-01-26. Review status: no assertion criteria provided. Collection method: clinical testing. Allele origin: germline.
Comment: The FOXC2 c.748_751delinsAG variant is predicted to result in a frameshift and premature protein termination (p.Gly250Serfs*212). To our knowledge, this variant has not been reported in the literature or in a large population database, indicating this variant is rare. Frameshift variants in FOXC2 are expected to be pathogenic. This variant is interpreted as likely pathogenic.

NM_005251.3(FOXC2):c.748_751delinsAG (p.Gly250fs)

Gene: FOXC2 (forkhead box C2; plus strand). Cytogenetic location: 16q24.1.
Variant type: Indel.
Coding change: c.748_751delinsAG on transcript NM_005251.3 (MANE Select); coding-DNA positions 748 to 751, GGCT replaced by AG.
Protein change: p.Gly250fs; shifts the reading frame from glycine 250.
Molecular consequence: frameshift variant.
Genome position (GRCh38, 1-based): chr16:86,568,083-86,568,086, GGCT replaced by AG. VCF-style: chr16-86568083-GGCT-AG. GRCh37 (hg19) VCF-style: chr16-86601689-GGCT-AG.
Other names: short protein forms G250fs.
Identifiers: ClinVar variation 3061147 (VCV003061147.2), dbSNP rs2507945223, ClinGen allele CA2740093441.